The following is an entry in ClinVar:

ClinVar aggregate classification (germline): Uncertain significance (1 of 4 stars; one submission).

Allele frequency attached by ClinVar (database versions not stated): gnomAD exomes below 0.00001.
gnomAD v4.1: 1 of 1,506,462 alleles (0.000066%); highest among the groups gnomAD compares: Non-Finnish European, 0.000088%; no homozygotes.

Submission:

Labcorp Genetics (formerly Invitae), Labcorp
Classification: Uncertain significance. Last evaluated: 2022-08-09. Review status: criteria provided, single submitter. Criteria: Invitae Variant Classification Sherloc (09022015). Collection method: clinical testing. Allele origin: germline.
Comment: This sequence change replaces serine, which is neutral and polar, with phenylalanine, which is neutral and non-polar, at codon 23 of the LRPPRC protein (p.Ser23Phe). This variant is not present in population databases (gnomAD no frequency). This variant has not been reported in the literature in individuals affected with LRPPRC-related conditions. ClinVar contains an entry for this variant (Variation ID: 1381400). Algorithms developed to predict the effect of missense changes on protein structure and function are either unavailable or do not agree on the potential impact of this missense change (SIFT: "Tolerated"; PolyPhen-2: "Not Available"; Align-GVGD: "Class C0"). In summary, the available evidence is currently insufficient to determine the role of this variant in disease. Therefore, it has been classified as a Variant of Uncertain Significance.

NM_133259.4(LRPPRC):c.68C>T (p.Ser23Phe)

Gene: LRPPRC (leucine rich pentatricopeptide repeat containing; minus strand). Cytogenetic location: 2p21.
Variant type: single nucleotide variant.
Coding change: c.68C>T on transcript NM_133259.4 (MANE Select); coding-DNA position 68, C replaced by T.
Protein change: p.Ser23Phe; replaces serine 23 with phenylalanine.
Molecular consequence: missense variant.
Genome position (GRCh38, 1-based): chr2:43,995,880, G>A on the plus strand (C>T on the coding strand, the complement: LRPPRC is on the minus strand). VCF-style: chr2-43995880-G-A. GRCh37 (hg19) VCF-style: chr2-44223019-G-A.
Other names: short protein forms S23F.
Identifiers: ClinVar variation 1381400 (VCV001381400.3), dbSNP rs947318294, ClinGen allele CA46458411.